The following is an entry in ClinVar:

ClinVar aggregate classification (germline): Uncertain significance (1 of 4 stars; one submission).

Submission:

Labcorp Genetics (formerly Invitae), Labcorp
Classification: Uncertain significance. Last evaluated: 2022-03-28. Review status: criteria provided, single submitter. Criteria: Invitae Variant Classification Sherloc (09022015). Collection method: clinical testing. Allele origin: germline.
Comment: This variant is present in population databases (rs201975160, gnomAD 0.08%). In summary, the available evidence is currently insufficient to determine the role of this variant in disease. Therefore, it has been classified as a Variant of Uncertain Significance. Algorithms developed to predict the effect of missense changes on protein structure and function output the following: SIFT: "Tolerated"; PolyPhen-2: "Benign"; Align-GVGD: "Class C0". The aspartic acid amino acid residue is found in multiple mammalian species, which suggests that this missense change does not adversely affect protein function. This variant has not been reported in the literature in individuals affected with KCNV2-related conditions. This sequence change replaces glutamic acid, which is acidic and polar, with aspartic acid, which is acidic and polar, at codon 56 of the KCNV2 protein (p.Glu56Asp).

NM_133497.4(KCNV2):c.168G>C (p.Glu56Asp)

Gene: KCNV2 (potassium voltage-gated channel modifier subfamily V member 2; plus strand). Cytogenetic location: 9p24.2.
Variant type: single nucleotide variant.
Coding change: c.168G>C on transcript NM_133497.4 (MANE Select); coding-DNA position 168, G replaced by C.
Protein change: p.Glu56Asp; replaces glutamic acid 56 with aspartic acid.
Molecular consequence: missense variant.
Genome position (GRCh38, 1-based): chr9:2,717,907, G>C. VCF-style: chr9-2717907-G-C. GRCh37 (hg19) VCF-style: chr9-2717907-G-C.
Other names: short protein forms E56D.
Identifiers: ClinVar variation 1510166 (VCV001510166.6), dbSNP rs201975160, ClinGen allele CA4965345.